The following is an entry in ClinVar:

NM_001848.3(COL6A1):c.858+62C>T

Gene: COL6A1 (collagen type VI alpha 1 chain; plus strand). Cytogenetic location: 21q22.3.
Variant type: single nucleotide variant.
Coding change: c.858+62C>T on transcript NM_001848.3 (MANE Select); 62 bases into the intron after coding-DNA position 858, C replaced by T.
Molecular consequence: intron variant.
Genome position (GRCh38, 1-based): chr21:45,989,199, C>T. VCF-style: chr21-45989199-C-T. GRCh37 (hg19) VCF-style: chr21-47409113-C-T.
Identifiers: ClinVar variation 679177 (VCV000679177.2), dbSNP rs8129814, ClinGen allele CA14894524.

ClinVar aggregate classification (germline): Benign. Review status: criteria provided, multiple submitters, no conflicts (2 of 4 stars). 2 submissions from 2 submitters: Benign (2). Last evaluated 2018-06-14.

Allele frequency attached by ClinVar (database versions not stated): ESP Exome Variant Server 0.51053; TOPMed 0.51289; gnomAD 0.51564 and 0.51873; 1000 Genomes Project 30x 0.51952; 1000 Genomes Project 0.52077; gnomAD exomes 0.56494.
gnomAD v4.1: 852,936 of 1,522,432 alleles (56%); highest among the groups gnomAD compares: Admixed American, 65%; 241,587 homozygotes.

Submissions (2):

GeneDx
Classification: Benign. Last evaluated: 2018-06-14. Review status: criteria provided, single submitter. Criteria: GeneDx Variant Classification (06012015). Collection method: clinical testing. Allele origin: germline. Affected: yes.
Comment: This variant is considered likely benign or benign based on one or more of the following criteria: it is a conservative change, it occurs at a poorly conserved position in the protein, it is predicted to be benign by multiple in silico algorithms, and/or has population frequency not consistent with disease.

Breakthrough Genomics
Classification: Benign. Review status: criteria provided, single submitter. Criteria: ACMG Guidelines, 2015. Collection method: not provided. Allele origin: germline. Inheritance: Autosomal recessive inheritance. Affected: yes.